The following is an entry in ClinVar:

ClinVar aggregate classification (germline): Uncertain significance (1 of 4 stars; one submission).

Submission:

Labcorp Genetics (formerly Invitae), Labcorp
Classification: Uncertain significance. Last evaluated: 2024-10-06. Review status: criteria provided, single submitter. Criteria: Invitae Variant Classification Sherloc (09022015). Collection method: clinical testing. Allele origin: germline.
Comment: This variant, c.1541_1543del, is a complex sequence change that results in the deletion of 2 and insertion of 1 amino acid(s) in the LZTS1 protein (p.Glu514_Arg515delinsGly). This variant is present in population databases (no rsID available, gnomAD 0.02%). This variant has not been reported in the literature in individuals affected with LZTS1-related conditions. Experimental studies and prediction algorithms are not available or were not evaluated, and the functional significance of this variant is currently unknown. In summary, the available evidence is currently insufficient to determine the role of this variant in disease. Therefore, it has been classified as a Variant of Uncertain Significance.

NM_021020.5(LZTS1):c.1541_1543del (p.Glu514_Arg515delinsGly)

Gene: LZTS1 (leucine zipper tumor suppressor 1; minus strand). Cytogenetic location: 8p21.3.
Variant type: Deletion.
Coding change: c.1541_1543del on transcript NM_021020.5 (MANE Select); coding-DNA positions 1541 to 1543, 3 bases deleted (AGC; older notation c.1541_1543delAGC).
Protein change: p.Glu514_Arg515delinsGly.
Molecular consequence: inframe indel.
Genome position (GRCh38, 1-based): chr8:20,249,970-20,249,972, GCT deleted on the plus strand (AGC on the coding strand, the reverse complement: LZTS1 is on the minus strand). VCF-style (leftmost placement, unchanged base first): chr8-20249969-CGCT-C. GRCh37 (hg19) VCF-style: chr8-20107480-CGCT-C.
Other names: c.1541_1543del, p.Glu514_Arg515delinsGly (NM_001362884.2).
Identifiers: ClinVar variation 3721906 (VCV003721906.2).